The following is an entry in ClinVar:

NM_194318.4(B3GLCT):c.1135G>A (p.Gly379Ser)

Gene: B3GLCT (beta 3-glucosyltransferase; plus strand). Cytogenetic location: 13q12.3.
Variant type: single nucleotide variant.
Coding change: c.1135G>A on transcript NM_194318.4 (MANE Select); coding-DNA position 1135, G replaced by A.
Protein change: p.Gly379Ser; replaces glycine 379 with serine.
Molecular consequence: missense variant.
Genome position (GRCh38, 1-based): chr13:31,317,636, G>A. VCF-style: chr13-31317636-G-A. GRCh37 (hg19) VCF-style: chr13-31891773-G-A.
Other names: short protein forms G379S.
Identifiers: ClinVar variation 856765 (VCV000856765.11), dbSNP rs375168040, ClinGen allele CA6936825.

ClinVar aggregate classification (germline): Uncertain significance. Review status: criteria provided, multiple submitters, no conflicts (2 of 4 stars). 2 submissions from 2 submitters: Uncertain significance (2). Last evaluated 2021-05-26.

Conditions:
Inborn genetic diseases. Identifiers: MedGen C0950123, MeSH D030342.
Peters plus syndrome. Also called: KRAUSE-KIVLIN SYNDROME. Identifiers: Orphanet 709, MedGen C0796012, MONDO:0009856, OMIM 261540.

Allele frequency attached by ClinVar (database versions not stated): gnomAD exomes 0.00004; ESP Exome Variant Server 0.00008; TOPMed 0.00013.
gnomAD v4.1: 73 of 1,613,986 alleles (0.0045%); highest among the groups gnomAD compares: African/African-American, 0.044%; no homozygotes.

Submissions (2):

Ambry Genetics
Classification: Uncertain significance for Inborn genetic diseases. Last evaluated: 2021-05-26. Review status: criteria provided, single submitter. Criteria: Ambry Variant Classification Scheme 2023. Collection method: clinical testing. Allele origin: germline.

Labcorp Genetics (formerly Invitae), Labcorp
Classification: Uncertain significance for Peters plus syndrome. Last evaluated: 2019-12-20. Review status: criteria provided, single submitter. Criteria: Invitae Variant Classification Sherloc (09022015). Collection method: clinical testing. Allele origin: germline.
Comment: In summary, the available evidence is currently insufficient to determine the role of this variant in disease. Therefore, it has been classified as a Variant of Uncertain Significance. Algorithms developed to predict the effect of missense changes on protein structure and function (SIFT, PolyPhen-2, Align-GVGD) all suggest that this variant is likely to be disruptive, but these predictions have not been confirmed by published functional studies and their clinical significance is uncertain. This variant has not been reported in the literature in individuals with B3GLCT-related disease. This variant is present in population databases (rs375168040, ExAC 0.03%). This sequence change replaces glycine with serine at codon 379 of the B3GLCT protein (p.Gly379Ser). The glycine residue is highly conserved and there is a small physicochemical difference between glycine and serine.